The following is an entry in ClinVar:

ClinVar aggregate classification (germline): Likely pathogenic. Review status: criteria provided, multiple submitters, no conflicts (2 of 4 stars). 2 submissions from 2 submitters: Likely pathogenic (2). Last evaluated 2025-02-18.

Conditions:
Familial adenomatous polyposis 1 (FAP1). Also called: FAMILIAL ADENOMATOUS POLYPOSIS 1, ATTENUATED; POLYPOSIS, ADENOMATOUS INTESTINAL. Identifiers: MedGen C2713442, MONDO:0021056, OMIM 175100. Disease mechanism: loss of function.
Hereditary cancer-predisposing syndrome. Also called: Hereditary neoplastic syndrome; Tumor predisposition; Hereditary Cancer Syndrome; Neoplastic Syndromes, Hereditary. Identifiers: Orphanet 140162, MedGen C0027672, MeSH D009386, MONDO:0015356.

Submissions (2):

Ambry Genetics
Classification: Likely pathogenic for Hereditary cancer-predisposing syndrome. Last evaluated: 2025-02-18. Review status: criteria provided, single submitter. Criteria: Ambry Variant Classification Scheme 2023. Collection method: clinical testing. Allele origin: germline.
Comment: The c.422+2T>A intronic variant results from a T to A substitution two nucleotides after coding exon 3 in the APC gene. This variant was reported in individuals with features consistent with familial adenomatous polyposis (Olschwang S et al. Am J Hum Genet, 1993 Feb;52:273-9; Lagarde A et al. J Med Genet, 2010 Oct;47:721-2; Ambry internal data). This variant is considered to be rare based on population cohorts in the Genome Aggregation Database (gnomAD). This nucleotide position is highly conserved in available vertebrate species. In silico splice site analysis predicts that this alteration will weaken the native splice donor site; however, direct evidence is insufficient at this time (Ambry internal data). In addition to the clinical data presented in the literature, alterations that disrupt the canonical splice site are expected to cause aberrant splicing, resulting in an abnormal protein or a transcript that is subject to nonsense-mediated mRNA decay. As such, this alteration is classified as likely pathogenic.

Myriad Genetics, Inc.
Classification: Likely pathogenic for Familial adenomatous polyposis 1. Last evaluated: 2023-04-25. Review status: criteria provided, single submitter. Criteria: Myriad Autosomal Dominant, Autosomal Recessive and X-Linked Classification Criteria (2023). Collection method: clinical testing. Allele origin: unknown.
Comment: This variant is considered likely pathogenic. This variant occurs within a consensus splice junction and is predicted to result in abnormal mRNA splicing of either an out-of-frame exon or an in-frame exon necessary for protein stability and/or normal function.

Literature cited by the submitters: PubMed 20685668 (cited by Ambry Genetics); PubMed 8381580 (cited by Ambry Genetics).

NM_000038.6(APC):c.422+2T>A

Gene: APC (APC regulator of Wnt signaling pathway; plus strand). Cytogenetic location: 5q22.2.
Variant type: single nucleotide variant.
Coding change: c.422+2T>A on transcript NM_000038.6 (MANE Select); the canonical splice donor site of the intron after coding-DNA position 422, T replaced by A.
Molecular consequence: splice donor variant.
Genome position (GRCh38, 1-based): chr5:112,767,392, T>A. VCF-style: chr5-112767392-T-A. GRCh37 (hg19) VCF-style: chr5-112103089-T-A.
Other names: c.422+2T>A (NM_000038.5, NM_001407447.1, NM_001354895.2 and 17 more transcripts); c.-614+2T>A (NM_001407470.1, NM_001407472.1, NM_001354906.2 and 1 more transcripts); c.452+2T>A (NM_001407446.1, NM_001354897.2, NM_001354902.2 and 1 more transcripts); c.245+2T>A (NM_001407453.1, NM_001354900.2, NM_001354901.2 and 1 more transcripts); c.347+2T>A (NM_001407451.1, NM_001354898.2, NM_001354904.2).
Identifiers: ClinVar variation 2584052 (VCV002584052.3), dbSNP rs879254169, ClinGen allele CA360617476.